The following is an entry in ClinVar:

NM_021625.5(TRPV4):c.387-9C>T

Gene: TRPV4 (transient receptor potential cation channel subfamily V member 4; minus strand). Cytogenetic location: 12q24.11.
Variant type: single nucleotide variant.
Coding change: c.387-9C>T on transcript NM_021625.5 (MANE Select); 9 bases into the intron before coding-DNA position 387, C replaced by T.
Molecular consequence: intron variant.
Genome position (GRCh38, 1-based): chr12:109,808,477, G>A on the plus strand (C>T on the coding strand, the complement: TRPV4 is on the minus strand). VCF-style: chr12-109808477-G-A. GRCh37 (hg19) VCF-style: chr12-110246282-G-A.
Other names: p.?; c.387-9C>T (NM_001177433.1, NM_001177428.1, NM_147204.2); c.285-9C>T (NM_001177431.1).
Identifiers: ClinVar variation 697032 (VCV000697032.11), dbSNP rs552614584, ClinGen allele CA6780556.
Genomic context (GRCh38, chr12:109,808,477, plus strand): 5'-GAGGATGGGGGGCGGCTGAGGGGCAGGGGCTTTGGGGCTCTGCGGCTGCTTCCTGGAGGA[G>A]GTAGGGAGGCAAGTTGATGGGAGGGCTCATCCCCTGCCTGCCCCACTGTCCCTGGCCTTA-3'

ClinVar aggregate classification (germline): Likely benign. Review status: criteria provided, multiple submitters, no conflicts (2 of 4 stars). 5 submissions from 5 submitters: Likely benign (3). 2 of the submissions do not count toward it. Last evaluated 2026-02-01.

Conditions:
Charcot-Marie-Tooth disease axonal type 2C (HMSN2C). Also called: Charcot-Marie-Tooth Disease Type 2, TRPV4-Related (CMT2C); CHARCOT-MARIE-TOOTH DISEASE, AXONAL, AUTOSOMAL DOMINANT, TYPE 2C; Charcot-Marie-Tooth Neuropathy Type 2C. Identifiers: Orphanet 99937, MedGen C1853710, MONDO:0011633, OMIM 606071.

Allele frequency attached by ClinVar (database versions not stated): gnomAD exomes 0.00003 and 0.00004; TOPMed 0.00004; gnomAD 0.00006 and 0.00007; ExAC 0.00003.
gnomAD v4.1: 67 of 1,608,898 alleles (0.0042%); highest among the groups gnomAD compares: Non-Finnish European, 0.0053%; no homozygotes.

Submissions (5):

Labcorp Genetics (formerly Invitae), Labcorp
Classification: Likely benign for Charcot-Marie-Tooth disease axonal type 2C. Last evaluated: 2026-02-01. Review status: criteria provided, single submitter. Criteria: Invitae Variant Classification Sherloc (09022015). Collection method: clinical testing. Allele origin: germline.

Mayo Clinic Laboratories, Mayo Clinic
Classification: Likely benign. Last evaluated: 2025-02-10. Review status: criteria provided, single submitter. Criteria: ACMG Guidelines, 2015. Collection method: clinical testing. Allele origin: germline. Observed: 2 variant alleles.
Comment: BS2, BP4, BP7

Blueprint Genetics
Classification: Likely benign. Last evaluated: 2019-02-08. Review status: criteria provided, single submitter. Criteria: ACMG Guidelines, 2015. Collection method: clinical testing. Allele origin: germline.

Clinical Genetics, Academic Medical Center
Classification: Likely benign. Review status: no assertion criteria provided. Collection method: clinical testing. Allele origin: germline. Affected: yes. Study: VKGL Data-share Consensus. Not counted in ClinVar's aggregate classification.

Genome Diagnostics Laboratory, University Medical Center Utrecht
Classification: Likely benign. Review status: no assertion criteria provided. Collection method: clinical testing. Allele origin: germline. Affected: yes. Study: VKGL Data-share Consensus. Not counted in ClinVar's aggregate classification.